The following is an entry in ClinVar:

ClinVar aggregate classification (germline): Uncertain significance (1 of 4 stars; one submission).

Conditions:
Hereditary cancer-predisposing syndrome. Also called: Neoplastic Syndromes, Hereditary; Tumor predisposition; Hereditary Cancer Syndrome; Hereditary neoplastic syndrome. Identifiers: Orphanet 140162, MedGen C0027672, MeSH D009386, MONDO:0015356.

Submission:

Ambry Genetics
Classification: Uncertain significance for Hereditary cancer-predisposing syndrome. Last evaluated: 2025-12-15. Review status: criteria provided, single submitter. Criteria: Ambry Variant Classification Scheme 2023. Collection method: clinical testing. Allele origin: germline.
Comment: The p.N1339I variant (also known as c.4016A>T), located in coding exon 26 of the ATM gene, results from an A to T substitution at nucleotide position 4016. The asparagine at codon 1339 is replaced by isoleucine, an amino acid with dissimilar properties. This amino acid position is conserved. In addition, this alteration is predicted to be deleterious by in silico analysis. Based on the available evidence, the clinical significance of this variant remains unclear.

NM_000051.4(ATM):c.4016A>T (p.Asn1339Ile)

Gene: ATM (ATM serine/threonine kinase; plus strand). Cytogenetic location: 11q22.3.
Variant type: single nucleotide variant.
Coding change: c.4016A>T on transcript NM_000051.4 (MANE Select); coding-DNA position 4016, A replaced by T.
Protein change: p.Asn1339Ile; replaces asparagine 1339 with isoleucine.
Molecular consequence: missense variant.
Genome position (GRCh38, 1-based): chr11:108,287,622, A>T. VCF-style: chr11-108287622-A-T. GRCh37 (hg19) VCF-style: chr11-108158349-A-T.
Other names: c.4016A>T, p.Asn1339Ile (NM_001351834.2); short protein forms N1339I.
Identifiers: ClinVar variation 4843901 (VCV004843901.1).
Genomic context (GRCh38, chr11:108,287,622, plus strand): 5'-TAAAATATTAAATATATTTTAATTTTGTGCCCTTGCAGATTGATCACTTATTCATTAGTA[A>T]TTTACCAGAGATTGTGGTGGAGTTATTGATGACGTTACATGAGCCAGCAAATTCTAGTGC-3'
Protein context (NP_000042.3, residues 1329-1349): GKQIDHLFIS[Asn1339Ile]LPEIVVELLM